The following is an entry in ClinVar:

ClinVar aggregate classification (germline): Conflicting classifications of pathogenicity. Review status: criteria provided, conflicting classifications (1 of 4 stars). 5 submissions from 5 submitters: Uncertain significance (2); Benign (1). 2 of the submissions do not count toward it. Last evaluated 2026-01-07.

Conditions:
Bloom syndrome (BLM). Also called: Bloom-Torre-Machacek syndrome. Identifiers: Orphanet 125, MedGen C0005859, MONDO:0008876, OMIM 210900.

Submissions (5):

Labcorp Genetics (formerly Invitae), Labcorp
Classification: Benign for Bloom syndrome. Last evaluated: 2026-01-07. Review status: criteria provided, single submitter. Criteria: Invitae Variant Classification Sherloc (09022015). Collection method: clinical testing. Allele origin: germline.

GeneDx
Classification: Uncertain significance. Last evaluated: 2024-07-02. Review status: criteria provided, single submitter. Criteria: GeneDx Variant Classification Process June 2021. Collection method: clinical testing. Allele origin: germline. Affected: yes.
Comment: In silico analysis indicates that this variant does not alter splicing; Has not been previously published as pathogenic or benign to our knowledge

Genetic Services Laboratory, University of Chicago
Classification: Uncertain significance. Last evaluated: 2020-03-10. Review status: criteria provided, single submitter. Criteria: ACMG Guidelines, 2015. Collection method: clinical testing. Allele origin: germline. Affected: no.
Comment: DNA sequence analysis of the BLM gene demonstrated a sequence change in intron 11, c.2407-7del. This change does not appear to have been previously described in patients with BLM-related disorders and has been described in the gnomAD database in eight individuals (dbSNP rs749544427). In silico splice site prediction programs give conflicting results on the effect on splicing of this variant. The functional significance of this sequence change is not known at present and its contribution to a disease phenotype cannot definitively be determined.

Natera, Inc.
Classification: Uncertain significance for Bloom syndrome. Last evaluated: 2017-11-16. Review status: no assertion criteria provided. Collection method: clinical testing. Allele origin: germline. Not counted in ClinVar's aggregate classification.

Counsyl
Classification: Uncertain significance for Bloom syndrome. Last evaluated: 2017-06-05. Review status: no assertion criteria provided. Collection method: clinical testing. Allele origin: unknown. Not counted in ClinVar's aggregate classification.

NM_000057.4(BLM):c.2407-7del

Gene: BLM (BLM RecQ like helicase; plus strand). Cytogenetic location: 15q26.1.
Variant type: Deletion.
Coding change: c.2407-7del on transcript NM_000057.4 (MANE Select); 7 bases into the intron before coding-DNA position 2407, one base deleted (C; older notation c.2407-7delC).
Molecular consequence: intron variant.
Genome position (GRCh38, 1-based): chr15:90,769,431, C deleted; the last of 2 consecutive C bases (chr15:90,769,430-90,769,431); deleting either gives the same sequence. VCF-style (leftmost placement, unchanged base first): chr15-90769429-TC-T. GRCh37 (hg19) VCF-style: chr15-91312659-TC-T.
Other names: c.2407-7del (LRG_20t1, NM_001287246.2, NM_001287247.2); c.1282-7del (NM_001287248.2); c.2407-7delC (NM_000057.3, NM_000057.2).
Identifiers: ClinVar variation 454103 (VCV000454103.16), dbSNP rs769184675, ClinGen allele CA7738766.
Genomic context (GRCh38, chr15:90,769,429, plus strand): 5'-AGCAGTGTTGGCTTTTTATAGAAGGAAGCTCCAAGTAGTCTGAAAAGCAGTATTTTTTTT[TC>T]CAACTAGTGGGGACATGATTTTCGTCAAGATTACAAAAGAATGAATATGCTTCGCCAGAA-3'